The following is an entry in ClinVar:

ClinVar aggregate classification (germline): Likely benign (1 of 4 stars; one submission).

Conditions:
Osteopetrosis. Identifiers: Orphanet 2781, MedGen C0029454, MONDO:0017198, HP:0011002.

Allele frequency attached by ClinVar (database versions not stated): gnomAD exomes 0.00006 and 0.00024; ExAC 0.00023; TOPMed 0.00026; gnomAD 0.00033 and 0.00035.
gnomAD v4.1: 164 of 1,230,824 alleles (0.013%); highest among the groups gnomAD compares: East Asian, 0.16%; 2 homozygotes.

Submission:

Illumina Laboratory Services, Illumina
Classification: Likely benign for Osteopetrosis. Last evaluated: 2018-01-13. Review status: criteria provided, single submitter. Criteria: ICSL Variant Classification Criteria 13 December 2019. Collection method: clinical testing. Allele origin: germline.
Comment: This variant was observed in the ICSL laboratory as part of a predisposition screen in an ostensibly healthy population. It had not been previously curated by ICSL or reported in the Human Gene Mutation Database (HGMD: prior to June 1st, 2018), and was therefore a candidate for classification through an automated scoring system. Utilizing variant allele frequency, disease prevalence and penetrance estimates, and inheritance mode, an automated score was calculated to assess if this variant is too frequent to cause the disease. Based on the score and internal cut-off values, a variant classified as likely benign is not then subjected to further curation. The score for this variant resulted in a classification of likely benign for this disease.

NM_001287.6(CLCN7):c.*89C>T

Gene: CLCN7 (chloride voltage-gated channel 7; minus strand). Cytogenetic location: 16p13.3.
Variant type: single nucleotide variant.
Coding change: c.*89C>T on transcript NM_001287.6 (MANE Select); 89 bases downstream of the stop codon, C replaced by T.
Molecular consequence: 3 prime UTR variant.
Genome position (GRCh38, 1-based): chr16:1,446,542, G>A on the plus strand (C>T on the coding strand, the complement: CLCN7 is on the minus strand). VCF-style: chr16-1446542-G-A. GRCh37 (hg19) VCF-style: chr16-1496543-G-A.
Other names: c.*89C>T (NM_001114331.3).
Identifiers: ClinVar variation 886290 (VCV000886290.4), dbSNP rs372232215, ClinGen allele CA7809806.